The following is an entry in ClinVar:

ClinVar aggregate classification (germline): Uncertain significance (1 of 4 stars; one submission).

Conditions:
Emery-Dreifuss muscular dystrophy 5, autosomal dominant (EDMD5). Also called: EMERY-DREIFUSS MUSCULAR DYSTROPHY 5. Identifiers: Orphanet 261, MedGen C2751805, MONDO:0013072, OMIM 612999.

Allele frequency attached by ClinVar (database versions not stated): gnomAD 0.00001; TOPMed 0.00001.
gnomAD v4.1: 1 of 1,610,268 alleles (0.000062%); highest among the groups gnomAD compares: African/African-American, 0.0013%; no homozygotes.

Submission:

Labcorp Genetics (formerly Invitae), Labcorp
Classification: Uncertain significance for Emery-Dreifuss muscular dystrophy 5, autosomal dominant. Last evaluated: 2021-12-21. Review status: criteria provided, single submitter. Criteria: Invitae Variant Classification Sherloc (09022015). Collection method: clinical testing. Allele origin: germline.
Comment: This sequence change replaces threonine, which is neutral and polar, with isoleucine, which is neutral and non-polar, at codon 3022 of the SYNE2 protein (p.Thr3022Ile). This variant is present in population databases (no rsID available, gnomAD 0.01%). This variant has not been reported in the literature in individuals affected with SYNE2-related conditions. Algorithms developed to predict the effect of missense changes on protein structure and function are either unavailable or do not agree on the potential impact of this missense change (SIFT: "Deleterious"; PolyPhen-2: "Benign"; Align-GVGD: "Class C0"). In summary, the available evidence is currently insufficient to determine the role of this variant in disease. Therefore, it has been classified as a Variant of Uncertain Significance.

NM_182914.3(SYNE2):c.9065C>T (p.Thr3022Ile)

Gene: SYNE2 (spectrin repeat containing nuclear envelope protein 2; plus strand). Cytogenetic location: 14q23.2.
Variant type: single nucleotide variant.
Coding change: c.9065C>T on transcript NM_182914.3 (MANE Select); coding-DNA position 9065, C replaced by T.
Protein change: p.Thr3022Ile; replaces threonine 3022 with isoleucine.
Molecular consequence: missense variant.
Genome position (GRCh38, 1-based): chr14:64,052,978, C>T. VCF-style: chr14-64052978-C-T. GRCh37 (hg19) VCF-style: chr14-64519696-C-T.
Other names: c.9065C>T, p.Thr3022Ile (NM_015180.6); short protein forms T3022I.
Identifiers: ClinVar variation 2414832 (VCV002414832.6), dbSNP rs1425303323, ClinGen allele CA389974642.